The following is an entry in ClinVar:

ClinVar aggregate classification (germline): Uncertain significance (1 of 4 stars; one submission).

Conditions:
Cardiovascular phenotype. Identifiers: MedGen CN230736.

Submission:

Ambry Genetics
Classification: Uncertain significance for Cardiovascular phenotype. Last evaluated: 2024-12-03. Review status: criteria provided, single submitter. Criteria: Ambry Variant Classification Scheme 2023. Collection method: clinical testing. Allele origin: germline.
Comment: The p.V277M variant (also known as c.829G>A), located in coding exon 5 of the CBL gene, results from a G to A substitution at nucleotide position 829. The valine at codon 277 is replaced by methionine, an amino acid with highly similar properties. This amino acid position is conserved. In addition, this alteration is predicted to be deleterious by in silico analysis. Based on the available evidence, the clinical significance of this variant remains unclear.

NM_005188.4(CBL):c.829G>A (p.Val277Met)

Gene: CBL (Cbl proto-oncogene; plus strand). Cytogenetic location: 11q23.3.
Variant type: single nucleotide variant.
Coding change: c.829G>A on transcript NM_005188.4 (MANE Select); coding-DNA position 829, G replaced by A.
Protein change: p.Val277Met; replaces valine 277 with methionine.
Molecular consequence: missense variant.
Genome position (GRCh38, 1-based): chr11:119,274,913, G>A. VCF-style: chr11-119274913-G-A. GRCh37 (hg19) VCF-style: chr11-119145623-G-A.
Other names: short protein forms V277M.
Identifiers: ClinVar variation 3485628 (VCV003485628.1).